The following is an entry in ClinVar:

NM_020719.3(PRR12):c.5895G>A (p.Ser1965=)

Gene: PRR12 (proline rich 12; plus strand). Cytogenetic location: 19q13.33.
Variant type: single nucleotide variant.
Coding change: c.5895G>A on transcript NM_020719.3 (MANE Select); coding-DNA position 5895, G replaced by A.
Protein change: p.Ser1965=; no amino-acid change (serine 1965 retained).
Molecular consequence: synonymous variant.
Genome position (GRCh38, 1-based): chr19:49,625,131, G>A. VCF-style: chr19-49625131-G-A. GRCh37 (hg19) VCF-style: chr19-50128388-G-A.
Other names: NC_000019.9:g.50128388G>A.
Identifiers: ClinVar variation 723208 (VCV000723208.13), dbSNP rs150863848, ClinGen allele CA9578834.
Genomic context (GRCh38, chr19:49,625,131, plus strand): 5'-CTGGAGGGGCTGAGGCATCTCCACTCCTACCCAGGAGTTCAAGGTTGAGCTGGAAAAGTC[G>A]GGATACTATACACTCTACCATTCGCTCCACCACTATAAATACCACACCTTCCTGCGCTGC-3'
Protein context (NP_065770.1, residues 1955-1975): AQEFKVELEK[Ser1965=]GYYTLYHSLH

ClinVar aggregate classification (germline): Benign/Likely benign. Review status: criteria provided, multiple submitters, no conflicts (2 of 4 stars). 3 submissions from 3 submitters: Benign (1); Likely benign (2). Last evaluated 2025-11-01.

Allele frequency attached by ClinVar (database versions not stated): 1000 Genomes Project 30x 0.00094; gnomAD exomes 0.00097 and 0.00054; 1000 Genomes Project 0.00100; ExAC 0.00107; gnomAD 0.00026 and 0.00039; TOPMed 0.00028; ESP Exome Variant Server 0.00032.
gnomAD v4.1: 863 of 1,613,662 alleles (0.053%); highest among the groups gnomAD compares: South Asian, 0.47%; 6 homozygotes.

Submissions (6):

CeGaT Center for Human Genetics Tuebingen
Classification: Likely benign. Last evaluated: 2025-11-01. Review status: criteria provided, single submitter. Criteria: CeGaT Center For Human Genetics Tuebingen Variant Classification Criteria Version 2. Collection method: clinical testing. Allele origin: germline. Affected: yes. Observed: 4 variant alleles.
Comment: PRR12: BP4, BP7, BS1

Blueprint Genetics
Classification: Likely benign. Last evaluated: 2024-11-27. Review status: criteria provided, single submitter. Criteria: ACMG Guidelines, 2015. Collection method: clinical testing. Allele origin: germline.

Labcorp Genetics (formerly Invitae), Labcorp
Classification: Benign. Last evaluated: 2019-12-31. Review status: criteria provided, single submitter. Criteria: Invitae Variant Classification Sherloc (09022015). Collection method: clinical testing. Allele origin: germline.

Dr. Peter K. Rogan Lab, Western University
No classification provided (evidence only). Condition: Familial cancer of breast. Review status: no classification provided. Collection method: in vitro. Allele origin: not applicable. Functional consequence: retained intron. Not counted in ClinVar's aggregate classification.

Dr. Peter K. Rogan Lab, Western University
No classification provided (evidence only). Condition: Ovarian serous cystadenocarcinoma. Review status: no classification provided. Collection method: in vitro. Allele origin: not applicable. Functional consequence: retained intron. Not counted in ClinVar's aggregate classification.

Dr. Peter K. Rogan Lab, Western University
No classification provided (evidence only). Condition: Adrenocortical carcinoma, hereditary. Review status: no classification provided. Collection method: in vitro. Allele origin: not applicable. Functional consequence: retained intron. Not counted in ClinVar's aggregate classification.